The following is an entry in ClinVar:

NM_001367624.2(ZNF469):c.10192C>T (p.His3398Tyr)

Gene: ZNF469 (zinc finger protein 469; plus strand). Cytogenetic location: 16q24.2.
Variant type: single nucleotide variant.
Coding change: c.10192C>T on transcript NM_001367624.2 (MANE Select); coding-DNA position 10192, C replaced by T.
Protein change: p.His3398Tyr; replaces histidine 3398 with tyrosine.
Molecular consequence: missense variant.
Genome position (GRCh38, 1-based): chr16:88,437,662, C>T. VCF-style: chr16-88437662-C-T. GRCh37 (hg19) VCF-style: chr16-88504070-C-T.
Other names: NM_001127464.1:c.10108C>T; short protein forms H3398Y.
Identifiers: ClinVar variation 1799273 (VCV001799273.8), dbSNP rs1386079707, ClinGen allele CA397126047.

ClinVar aggregate classification (germline): Uncertain significance. Review status: criteria provided, multiple submitters, no conflicts (2 of 4 stars). 3 submissions from 3 submitters: Uncertain significance (3). Last evaluated 2026-04-07.

Conditions:
Cardiovascular phenotype. Identifiers: MedGen CN230736.

Allele frequency attached by ClinVar (database versions not stated): TOPMed 0.00001; gnomAD 0.00004.
gnomAD v4.1: 55 of 1,547,748 alleles (0.0036%); highest among the groups gnomAD compares: Non-Finnish European, 0.0048%; no homozygotes.

Submissions (3):

Women's Health and Genetics/Laboratory Corporation of America, LabCorp
Classification: Uncertain significance. Last evaluated: 2026-04-07. Review status: criteria provided, single submitter. Criteria: LabCorp Variant Classification Summary - May 2015. Collection method: clinical testing. Allele origin: germline.

Ambry Genetics
Classification: Uncertain significance for Cardiovascular phenotype. Last evaluated: 2024-09-03. Review status: criteria provided, single submitter. Criteria: Ambry Variant Classification Scheme 2023. Collection method: clinical testing. Allele origin: germline.

Labcorp Genetics (formerly Invitae), Labcorp
Classification: Uncertain significance. Last evaluated: 2023-12-10. Review status: criteria provided, single submitter. Criteria: Invitae Variant Classification Sherloc (09022015). Collection method: clinical testing. Allele origin: germline.
Comment: This sequence change replaces histidine, which is basic and polar, with tyrosine, which is neutral and polar, at codon 3370 of the ZNF469 protein (p.His3370Tyr). This variant is present in population databases (no rsID available, gnomAD 0.006%). This variant has not been reported in the literature in individuals affected with ZNF469-related conditions. ClinVar contains an entry for this variant (Variation ID: 1799273). An algorithm developed to predict the effect of missense changes on protein structure and function (PolyPhen-2) suggests that this variant is likely to be disruptive. In summary, the available evidence is currently insufficient to determine the role of this variant in disease. Therefore, it has been classified as a Variant of Uncertain Significance.